The following is an entry in ClinVar:

ClinVar aggregate classification (germline): Uncertain significance (1 of 4 stars; one submission).

Submission:

Labcorp Genetics (formerly Invitae), Labcorp
Classification: Uncertain significance. Last evaluated: 2024-08-31. Review status: criteria provided, single submitter. Criteria: Invitae Variant Classification Sherloc (09022015). Collection method: clinical testing. Allele origin: germline.
Comment: This sequence change replaces serine, which is neutral and polar, with phenylalanine, which is neutral and non-polar, at codon 764 of the ARID1A protein (p.Ser764Phe). This variant is not present in population databases (gnomAD no frequency). This variant has not been reported in the literature in individuals affected with ARID1A-related conditions. Invitae Evidence Modeling of protein sequence and biophysical properties (such as structural, functional, and spatial information, amino acid conservation, physicochemical variation, residue mobility, and thermodynamic stability) has been performed for this missense variant. However, the output from this modeling did not meet the statistical confidence thresholds required to predict the impact of this variant on ARID1A protein function. In summary, the available evidence is currently insufficient to determine the role of this variant in disease. Therefore, it has been classified as a Variant of Uncertain Significance.

NM_006015.6(ARID1A):c.2291C>T (p.Ser764Phe)

Gene: ARID1A (AT-rich interaction domain 1A; plus strand). Cytogenetic location: 1p36.11.
Variant type: single nucleotide variant.
Coding change: c.2291C>T on transcript NM_006015.6 (MANE Select); coding-DNA position 2291, C replaced by T.
Protein change: p.Ser764Phe; replaces serine 764 with phenylalanine.
Molecular consequence: missense variant.
Genome position (GRCh38, 1-based): chr1:26,762,191, C>T. VCF-style: chr1-26762191-C-T. GRCh37 (hg19) VCF-style: chr1-27088682-C-T.
Other names: c.2291C>T, p.Ser764Phe (NM_139135.4); short protein forms S764F.
Identifiers: ClinVar variation 3618534 (VCV003618534.2).